The following is an entry in ClinVar:

ClinVar aggregate classification (germline): Uncertain significance (1 of 4 stars; one submission).

Conditions:
Jeune thoracic dystrophy. Also called: Jeune syndrome; Infantile thoracic dystrophy; Thoracic pelvic phalangeal dystrophy; Jeune's syndrome; Chondroectodermal dysplasia-like syndrome; Short-rib thoracic dysplasia. Identifiers: Orphanet 474, MedGen C0265275, MONDO:0018770.

gnomAD v4.1: 3 of 1,590,866 alleles (0.00019%); highest among the groups gnomAD compares: Non-Finnish European, 0.00026%; no homozygotes.

Submission:

Labcorp Genetics (formerly Invitae), Labcorp
Classification: Uncertain significance for Jeune thoracic dystrophy. Last evaluated: 2024-11-18. Review status: criteria provided, single submitter. Criteria: Invitae Variant Classification Sherloc (09022015). Collection method: clinical testing. Allele origin: germline.
Comment: This sequence change replaces threonine, which is neutral and polar, with isoleucine, which is neutral and non-polar, at codon 4033 of the DYNC2H1 protein (p.Thr4033Ile). This variant is not present in population databases (gnomAD no frequency). This variant has not been reported in the literature in individuals affected with DYNC2H1-related conditions. Invitae Evidence Modeling of protein sequence and biophysical properties (such as structural, functional, and spatial information, amino acid conservation, physicochemical variation, residue mobility, and thermodynamic stability) indicates that this missense variant is not expected to disrupt DYNC2H1 protein function with a negative predictive value of 95%. In summary, the available evidence is currently insufficient to determine the role of this variant in disease. Therefore, it has been classified as a Variant of Uncertain Significance.

NM_001377.3(DYNC2H1):c.12077C>T (p.Thr4026Ile)

Gene: DYNC2H1 (dynein cytoplasmic 2 heavy chain 1; plus strand). Cytogenetic location: 11q22.3.
Variant type: single nucleotide variant.
Coding change: c.12077C>T on transcript NM_001377.3 (MANE Select); coding-DNA position 12077, C replaced by T.
Protein change: p.Thr4026Ile; replaces threonine 4026 with isoleucine.
Molecular consequence: missense variant.
Genome position (GRCh38, 1-based): chr11:103,358,280, C>T. VCF-style: chr11-103358280-C-T. GRCh37 (hg19) VCF-style: chr11-103229008-C-T.
Other names: c.12098C>T, p.Thr4033Ile (NM_001080463.2); short protein forms T4026I, T4033I.
Identifiers: ClinVar variation 3685962 (VCV003685962.2).